The following is an entry in ClinVar:

ClinVar aggregate classification (germline): Uncertain significance. Review status: criteria provided, multiple submitters, no conflicts (2 of 4 stars). 2 submissions from 2 submitters: Uncertain significance (2). Last evaluated 2025-08-12.

Conditions:
Inborn genetic diseases. Identifiers: MedGen C0950123, MeSH D030342.

Allele frequency attached by ClinVar (database versions not stated): gnomAD 0.00001; gnomAD exomes 0.00002; ExAC 0.00003; TOPMed 0.00003.
gnomAD v4.1: 39 of 1,613,982 alleles (0.0024%); highest among the groups gnomAD compares: Non-Finnish European, 0.0031%; no homozygotes.

Submissions (2):

Ambry Genetics
Classification: Uncertain significance for Inborn genetic diseases. Last evaluated: 2025-08-12. Review status: criteria provided, single submitter. Criteria: Ambry Variant Classification Scheme 2023. Collection method: clinical testing. Allele origin: germline.

Labcorp Genetics (formerly Invitae), Labcorp
Classification: Uncertain significance. Last evaluated: 2022-04-05. Review status: criteria provided, single submitter. Criteria: Invitae Variant Classification Sherloc (09022015). Collection method: clinical testing. Allele origin: germline.
Comment: This sequence change replaces asparagine, which is neutral and polar, with tyrosine, which is neutral and polar, at codon 315 of the MRPL44 protein (p.Asn315Tyr). This variant is present in population databases (rs754404543, gnomAD 0.006%). This variant has not been reported in the literature in individuals affected with MRPL44-related conditions. Algorithms developed to predict the effect of missense changes on protein structure and function (SIFT, PolyPhen-2, Align-GVGD) all suggest that this variant is likely to be tolerated. In summary, the available evidence is currently insufficient to determine the role of this variant in disease. Therefore, it has been classified as a Variant of Uncertain Significance.

NM_022915.5(MRPL44):c.943A>T (p.Asn315Tyr)

Gene: MRPL44 (mitochondrial ribosomal protein L44; plus strand). Cytogenetic location: 2q36.1.
Variant type: single nucleotide variant.
Coding change: c.943A>T on transcript NM_022915.5 (MANE Select); coding-DNA position 943, A replaced by T.
Protein change: p.Asn315Tyr; replaces asparagine 315 with tyrosine.
Molecular consequence: missense variant.
Genome position (GRCh38, 1-based): chr2:223,966,978, A>T. VCF-style: chr2-223966978-A-T. GRCh37 (hg19) VCF-style: chr2-224831695-A-T.
Other names: short protein forms N315Y.
Identifiers: ClinVar variation 2040808 (VCV002040808.4), dbSNP rs754404543, ClinGen allele CA2139164.